The following is an entry in ClinVar:

NM_033100.4(CDHR1):c.2439_2440delinsCC (p.Val814Leu)

Gene: CDHR1 (cadherin related family member 1; plus strand). Cytogenetic location: 10q23.1.
Variant type: Indel.
Coding change: c.2439_2440delinsCC on transcript NM_033100.4 (MANE Select); coding-DNA positions 2439 to 2440, TG replaced by CC.
Protein change: p.Val814Leu; replaces valine 814 with leucine.
Molecular consequence: missense variant. On other transcripts: intron variant (1).
Genome position (GRCh38, 1-based): chr10:84,214,480-84,214,481, TG replaced by CC. VCF-style: chr10-84214480-TG-CC. GRCh37 (hg19) VCF-style: chr10-85974236-TG-CC.
Other names: c.2040+1132_2040+1133delinsCC (NM_001171971.3); short protein forms V814L.
Identifiers: ClinVar variation 2126629 (VCV002126629.4), dbSNP rs2492551268, ClinGen allele CA2580082055.

ClinVar aggregate classification (germline): Uncertain significance (1 of 4 stars; one submission).

Submission:

Labcorp Genetics (formerly Invitae), Labcorp
Classification: Uncertain significance. Last evaluated: 2022-04-16. Review status: criteria provided, single submitter. Criteria: Invitae Variant Classification Sherloc (09022015). Collection method: clinical testing. Allele origin: germline.
Comment: In summary, the available evidence is currently insufficient to determine the role of this variant in disease. Therefore, it has been classified as a Variant of Uncertain Significance. Experimental studies and prediction algorithms are not available or were not evaluated, and the functional significance of this variant is currently unknown. This variant has not been reported in the literature in individuals affected with CDHR1-related conditions. Information on the frequency of this variant in the gnomAD database is not available, as this variant may be reported differently in the database. This sequence change replaces valine, which is neutral and non-polar, with leucine, which is neutral and non-polar, at codon 814 of the CDHR1 protein (p.Val814Leu).